The following is an entry in ClinVar:

NM_014991.6(WDFY3):c.6486G>A (p.Leu2162=)

Gene: WDFY3 (WD repeat and FYVE domain containing 3; minus strand). Cytogenetic location: 4q21.23.
Variant type: single nucleotide variant.
Coding change: c.6486G>A on transcript NM_014991.6 (MANE Select); coding-DNA position 6486, G replaced by A.
Protein change: p.Leu2162=; no amino-acid change (leucine 2162 retained).
Molecular consequence: synonymous variant.
Genome position (GRCh38, 1-based): chr4:84,739,098, C>T on the plus strand (G>A on the coding strand, the complement: WDFY3 is on the minus strand). VCF-style: chr4-84739098-C-T. GRCh37 (hg19) VCF-style: chr4-85660251-C-T.
Identifiers: ClinVar variation 3032577 (VCV003032577.2), dbSNP rs140312391, ClinGen allele CA2992832.

ClinVar aggregate classification (germline): Likely benign (0 of 4 stars; one submission).

Conditions:
WDFY3-related disorder.

Allele frequency attached by ClinVar (database versions not stated): ExAC 0.00002; gnomAD exomes 0.00003; TOPMed 0.00003; gnomAD 0.00004; ESP Exome Variant Server 0.00008.
gnomAD v4.1: 56 of 1,613,974 alleles (0.0035%); highest among the groups gnomAD compares: Non-Finnish European, 0.0046%; no homozygotes.

Submission:

PreventionGenetics, part of Exact Sciences
Classification: Likely benign for WDFY3-related condition. Last evaluated: 2021-04-13. Review status: no assertion criteria provided. Collection method: clinical testing. Allele origin: germline.
Comment: This variant is classified as likely benign based on ACMG/AMP sequence variant interpretation guidelines (Richards et al. 2015 PMID: 25741868, with internal and published modifications).